The following is an entry in ClinVar:

NM_003906.5(MCM3AP):c.1559A>C (p.Lys520Thr)

Gene: MCM3AP (minichromosome maintenance complex component 3 associated protein; minus strand). Cytogenetic location: 21q22.3.
Variant type: single nucleotide variant.
Coding change: c.1559A>C on transcript NM_003906.5 (MANE Select); coding-DNA position 1559, A replaced by C.
Protein change: p.Lys520Thr; replaces lysine 520 with threonine.
Molecular consequence: missense variant.
Genome position (GRCh38, 1-based): chr21:46,280,101, T>G on the plus strand (A>C on the coding strand, the complement: MCM3AP is on the minus strand). VCF-style: chr21-46280101-T-G. GRCh37 (hg19) VCF-style: chr21-47700015-T-G.
Other names: c.1559A>C (NM_003906.3); short protein forms K520T.
Identifiers: ClinVar variation 1952201 (VCV001952201.4), dbSNP rs755200264, ClinGen allele CA10077048.
Genomic context (GRCh38, chr21:46,280,101, plus strand): 5'-AGAGGAGAGTGCTGAAAGGGTGCATCCTCTGTGCTCGGGCTGACTTCACCGTCACCTGGT[T>G]TCTTCTCCTTCAGGGAAAAGGGTTTCTTATTGGGGCCTGTGGACATAGGAGGCAGAAAAG-3'
Protein context (NP_003897.2, residues 510-530): NKKPFSLKEK[Lys520Thr]PGDGEVSPST

ClinVar aggregate classification (germline): Uncertain significance. Review status: criteria provided, multiple submitters, no conflicts (2 of 4 stars). 2 submissions from 2 submitters: Uncertain significance (2). Last evaluated 2025-10-24.

Conditions:
Inborn genetic diseases. Identifiers: MedGen C0950123, MeSH D030342.

Allele frequency attached by ClinVar (database versions not stated): ExAC 0.00001; gnomAD 0.00001; TOPMed 0.00001.

Submissions (2):

Labcorp Genetics (formerly Invitae), Labcorp
Classification: Uncertain significance. Last evaluated: 2025-10-24. Review status: criteria provided, single submitter. Criteria: Invitae Variant Classification Sherloc (09022015). Collection method: clinical testing. Allele origin: germline.
Comment: This sequence change replaces lysine, which is basic and polar, with threonine, which is neutral and polar, at codon 520 of the MCM3AP protein (p.Lys520Thr). This variant is present in population databases (rs755200264, gnomAD 0.002%). This variant has not been reported in the literature in individuals affected with MCM3AP-related conditions. ClinVar contains an entry for this variant (Variation ID: 1952201). An algorithm developed to predict the effect of missense changes on protein structure and function outputs the following: PolyPhen-2: "Benign". The threonine amino acid residue is found in multiple mammalian species, which suggests that this missense change does not adversely affect protein function. In summary, the available evidence is currently insufficient to determine the role of this variant in disease. Therefore, it has been classified as a Variant of Uncertain Significance.

Ambry Genetics
Classification: Uncertain significance for Inborn genetic diseases. Last evaluated: 2024-12-16. Review status: criteria provided, single submitter. Criteria: Ambry Variant Classification Scheme 2023. Collection method: clinical testing. Allele origin: germline.